The following is an entry in ClinVar:

ClinVar aggregate classification (germline): Uncertain significance (1 of 4 stars; one submission).

Submission:

Labcorp Genetics (formerly Invitae), Labcorp
Classification: Uncertain significance. Last evaluated: 2022-07-24. Review status: criteria provided, single submitter. Criteria: Invitae Variant Classification Sherloc (09022015). Collection method: clinical testing. Allele origin: germline.
Comment: Algorithms developed to predict the effect of missense changes on protein structure and function are either unavailable or do not agree on the potential impact of this missense change (SIFT: "Deleterious"; PolyPhen-2: "Probably Damaging"; Align-GVGD: "Class C0"). This sequence change replaces leucine, which is neutral and non-polar, with proline, which is neutral and non-polar, at codon 540 of the SCP2 protein (p.Leu540Pro). This variant is not present in population databases (gnomAD no frequency). This variant has not been reported in the literature in individuals affected with SCP2-related conditions. In summary, the available evidence is currently insufficient to determine the role of this variant in disease. Therefore, it has been classified as a Variant of Uncertain Significance.

NM_002979.5(SCP2):c.1619T>C (p.Leu540Pro)

Gene: SCP2 (sterol carrier protein 2; plus strand). Cytogenetic location: 1p32.3.
Variant type: single nucleotide variant.
Coding change: c.1619T>C on transcript NM_002979.5 (MANE Select); coding-DNA position 1619, T replaced by C.
Protein change: p.Leu540Pro; replaces leucine 540 with proline.
Molecular consequence: missense variant. On other transcripts: 3 prime UTR variant (1).
Genome position (GRCh38, 1-based): chr1:53,050,679, T>C. VCF-style: chr1-53050679-T-C. GRCh37 (hg19) VCF-style: chr1-53516351-T-C.
Other names: c.407T>C, p.Leu136Pro (NM_001007099.3); c.398T>C, p.Leu133Pro (NM_001007100.3); c.*97T>C (NM_001007250.3); c.1547T>C, p.Leu516Pro (NM_001193599.2); c.1487T>C, p.Leu496Pro (NM_001193600.2); c.1376T>C, p.Leu459Pro (NM_001193617.2); short protein forms L133P, L136P, L459P, L496P, L516P, L540P.
Identifiers: ClinVar variation 1713698 (VCV001713698.5), dbSNP rs1340678953, ClinGen allele CA340383125.